The following is an entry in ClinVar:

NM_001009944.3(PKD1):c.7657G>A (p.Val2553Met)

Gene: PKD1 (polycystin 1, transient receptor potential channel interacting; minus strand). Cytogenetic location: 16p13.3.
Variant type: single nucleotide variant.
Coding change: c.7657G>A on transcript NM_001009944.3 (MANE Select); coding-DNA position 7657, G replaced by A.
Protein change: p.Val2553Met; replaces valine 2553 with methionine.
Molecular consequence: missense variant.
Genome position (GRCh38, 1-based): chr16:2,106,137, C>T on the plus strand (G>A on the coding strand, the complement: PKD1 is on the minus strand). VCF-style: chr16-2106137-C-T. GRCh37 (hg19) VCF-style: chr16-2156138-C-T.
Other names: c.7657G>A, p.Val2553Met (NM_000296.4); c.7657G>A (NM_000296.3); short protein forms V2553M.
Identifiers: ClinVar variation 3579252 (VCV003579252.3).
Genomic context (GRCh38, chr16:2,106,137, plus strand): 5'-ACGGCCTGGCTCACCTGTTGAGGGCGACCACAGCGGCTCCCAGCTGGTCCTGCACCACCA[C>T]GGCCAGGCCCACCTCGAAGTGTGGCCTGAAACCCGGGGGCAGCACGGCTCCGTAGCTGGA-3'
Protein context (NP_001009944.3, residues 2543-2563): FRPHFEVGLA[Val2553Met]VVQDQLGAAV

ClinVar aggregate classification (germline): Conflicting classifications of pathogenicity. Review status: criteria provided, conflicting classifications (1 of 4 stars). 3 submissions from 3 submitters: Likely pathogenic (1); Uncertain significance (2). Last evaluated 2025-09-25.

Conditions:
Inborn genetic diseases. Identifiers: MedGen C0950123, MeSH D030342.
Polycystic kidney disease, adult type (PKD1). Also called: Polycystic Kidney Disease 1, Autosomal Dominant; Polycystic kidney disease 1; Polycystic kidney disease 1, severe; Polycystic Kidney, Autosomal Dominant; POLYCYSTIC KIDNEY DISEASE, ADULT, TYPE I; POLYCYSTIC KIDNEY DISEASE 1 WITH OR WITHOUT POLYCYSTIC LIVER DISEASE. Identifiers: MedGen C3149841, MONDO:0008263, OMIM 173900.

gnomAD v4.1: 49 of 1,605,730 alleles (0.0031%); highest among the groups gnomAD compares: African/African-American, 0.008%; no homozygotes.

Submissions (3):

Ambry Genetics
Classification: Uncertain significance for Inborn genetic diseases. Last evaluated: 2025-09-25. Review status: criteria provided, single submitter. Criteria: Ambry Variant Classification Scheme 2023. Collection method: clinical testing. Allele origin: germline.

Fulgent Genetics
Classification: Uncertain significance for Polycystic kidney disease, adult type. Last evaluated: 2024-05-10. Review status: criteria provided, single submitter. Criteria: ACMG Guidelines, 2015. Collection method: clinical testing. Allele origin: germline.

Laboratorio de Genética, Hospital Universitario Reina Sofía
Classification: Likely pathogenic for Polycystic kidney disease, adult type. Last evaluated: 2022-12-13. Review status: criteria provided, single submitter. Criteria: ACMG Guidelines, 2015. Collection method: clinical testing. Allele origin: germline. Inheritance: Autosomal dominant inheritance. Affected: yes. Observed: 2 variant alleles, 2 heterozygotes. Clinical features observed: Polycystic kidney disease (HP:0000113).
Comment: This variant is classified as Likely Pathogenic as it meets the following ACMG/AMP criteria: PM2, as NM_001009944.3(PKD1):c.7657G>A is absent or extremely rare in population databases; and PP1 (Supporting), as the variant is also present in an additional affected sibling, supporting cosegregation with disease in the family; however, given the known challenges in interpreting PKD1 missense variants, additional informative segregation (including unaffected relatives), phenotype confirmation, and/or independent lines of evidence are recommended to strengthen this classification and reduce the risk of overcalling pathogenicity.